The following is an entry in ClinVar:

ClinVar aggregate classification (germline): Pathogenic (0 of 4 stars; one submission).

Submission:

Quest Diagnostics Nichols Institute San Juan Capistrano
Classification: Pathogenic. Last evaluated: 2021-01-20. Review status: no assertion criteria provided. Collection method: clinical testing. Allele origin: germline.
Comment: The 15q11.2-q14 deletion encompasses the 15q11.2-q13 Prader-Willi/Angelman critical region and the 15q13.3 deletion syndrome region. Patients with similar deletions in chromosome 15q, mostly de novo, exhibit expanded phenotype of severe developmental delay, protracted feeding problem, absent speech, central visual impairment, congenital malformations and epilepsy, in addition to those typical of Angelman syndrome (AS; OMIM 105830) or Prader-Willi syndrome (PWS; OMIM 176270) (Kucerova et al., J Med Genet. 1979 Jun;16(3):234-5. PMID: 469905; Pauli et al., Am J Dis Child. 1983 Nov;137(11):1087-9. PMID: 6637912; Mori et al., Ann Genet. 1987;30(4):246-8. PMID: 3322163; Matsumura et al., Clin Genet. 2003 Jan;63(1):79-81. PMID: 12519378). Several imprinted genes, including paternally expressed SNRPN and maternally expressed UBE3A are involved. Depending on the parent of origin for the deleted chromosome 15 segment, either AS or PWS phenotype may be present. Other candidate genes, such as ACTC1 and GREM1 to congenital heart disease phenotype, ARHGAP11A, CHRNA7 and CHRM5 related to developmental delay and intellectual disability are also included.

GRCh37/hg19 18p11.21(chr18:11109971-11176380)x1

Gene: PIEZO2 (piezo type mechanosensitive ion channel component 2; minus strand). Cytogenetic location: 18p11.21.
Variant type: copy number loss.
Change: copy number 1 (one copy instead of two) of chr18:11,109,971-11,176,380 (66.4 kb, GRCh37 coordinates, 1-based), cytogenetic band 18p11.21.
Identifiers: ClinVar variation 1340728 (VCV001340728.1).